The following is an entry in ClinVar:

ClinVar aggregate classification (germline): Likely benign (1 of 4 stars; one submission).

Allele frequency attached by ClinVar (database versions not stated): 1000 Genomes Project 30x 0.00031; 1000 Genomes Project 0.00040; TOPMed 0.00243; gnomAD 0.00291; ExAC 0.00331; ESP Exome Variant Server 0.00415.
gnomAD v4.1: 5,703 of 1,614,178 alleles (0.35%); highest among the groups gnomAD compares: Non-Finnish European, 0.44%; 20 homozygotes.

Submissions (14):

CeGaT Center for Human Genetics Tuebingen
Classification: Likely benign. Last evaluated: 2023-02-01. Review status: criteria provided, single submitter. Criteria: CeGaT Center For Human Genetics Tuebingen Variant Classification Criteria Version 2. Collection method: clinical testing. Allele origin: germline. Affected: yes. Observed: 1 variant allele.
Comment: BABAM2: BS2; ENSG00000223522: BS2

Dr. Peter K. Rogan Lab, Western University
No classification provided (evidence only). Condition: Malignant tumor of urinary bladder. Review status: no classification provided. Collection method: in vitro. Allele origin: not applicable. Functional consequence: retained intron. Not counted in ClinVar's aggregate classification.

Dr. Peter K. Rogan Lab, Western University
No classification provided (evidence only). Condition: Malignant tumor of urinary bladder. Review status: no classification provided. Collection method: in vitro. Allele origin: not applicable. Functional consequence: skipped exon. Not counted in ClinVar's aggregate classification.

Dr. Peter K. Rogan Lab, Western University
No classification provided (evidence only). Condition: Familial cancer of breast. Review status: no classification provided. Collection method: in vitro. Allele origin: not applicable. Functional consequence: retained intron. Not counted in ClinVar's aggregate classification.

Dr. Peter K. Rogan Lab, Western University
No classification provided (evidence only). Condition: Familial cancer of breast. Review status: no classification provided. Collection method: in vitro. Allele origin: not applicable. Functional consequence: retained intron. Not counted in ClinVar's aggregate classification.

Dr. Peter K. Rogan Lab, Western University
No classification provided (evidence only). Condition: Acute myeloid leukemia. Review status: no classification provided. Collection method: in vitro. Allele origin: not applicable. Functional consequence: retained intron. Not counted in ClinVar's aggregate classification.

Dr. Peter K. Rogan Lab, Western University
No classification provided (evidence only). Condition: Colon adenocarcinoma. Review status: no classification provided. Collection method: in vitro. Allele origin: not applicable. Functional consequence: retained intron. Not counted in ClinVar's aggregate classification.

Dr. Peter K. Rogan Lab, Western University
No classification provided (evidence only). Condition: Thyroid cancer, nonmedullary, 1. Review status: no classification provided. Collection method: in vitro. Allele origin: not applicable. Functional consequence: skipped exon. Not counted in ClinVar's aggregate classification.

Dr. Peter K. Rogan Lab, Western University
No classification provided (evidence only). Condition: Malignant lymphoma, large B-cell, diffuse. Review status: no classification provided. Collection method: in vitro. Allele origin: not applicable. Functional consequence: retained intron. Not counted in ClinVar's aggregate classification.

Dr. Peter K. Rogan Lab, Western University
No classification provided (evidence only). Condition: Thymoma. Review status: no classification provided. Collection method: in vitro. Allele origin: not applicable. Functional consequence: skipped exon. Not counted in ClinVar's aggregate classification.

Dr. Peter K. Rogan Lab, Western University
No classification provided (evidence only). Condition: Gastric cancer. Review status: no classification provided. Collection method: in vitro. Allele origin: not applicable. Functional consequence: retained intron. Not counted in ClinVar's aggregate classification.

Dr. Peter K. Rogan Lab, Western University
No classification provided (evidence only). Condition: Gastric cancer. Review status: no classification provided. Collection method: in vitro. Allele origin: not applicable. Functional consequence: retained intron. Not counted in ClinVar's aggregate classification.

Dr. Peter K. Rogan Lab, Western University
No classification provided (evidence only). Condition: Gastric cancer. Review status: no classification provided. Collection method: in vitro. Allele origin: not applicable. Functional consequence: retained intron. Not counted in ClinVar's aggregate classification.

Dr. Peter K. Rogan Lab, Western University
No classification provided (evidence only). Condition: Ovarian cancer. Review status: no classification provided. Collection method: in vitro. Allele origin: not applicable. Functional consequence: skipped exon, retained intron. Not counted in ClinVar's aggregate classification.

NM_199191.3(BABAM2):c.1088+11589A>C

Genes: BABAM2 (BRISC and BRCA1 A complex member 2; plus strand), BABAM2-AS2 (BABAM2 antisense RNA 2; minus strand), LOC126806180 (CDK7 strongly-dependent group 2 enhancer GRCh37_chr2:28532030-28533229; plus strand). Cytogenetic location: 2p23.2.
Variant type: single nucleotide variant.
Coding change: c.1088+11589A>C on transcript NM_199191.3 (MANE Select); 11589 bases into the intron after coding-DNA position 1088, A replaced by C.
Molecular consequence: intron variant. On other transcripts: splice acceptor variant (2).
Genome position (GRCh38, 1-based): chr2:28,310,080, A>C. VCF-style: chr2-28310080-A-C. GRCh37 (hg19) VCF-style: chr2-28532947-A-C.
Other names: NC_000002.11:g.28532947A>C; c.1088+11589A>C (NM_001329112.1, NM_001329113.2, NM_199194.3 and 2 more transcripts); c.1089-2A>C (NM_199193.3, NM_199192.3); c.1089-119A>C (NM_001329115.2, NM_001329114.2).
Identifiers: ClinVar variation 2650777 (VCV002650777.24), dbSNP rs150302537, ClinGen allele CA1586326.